The following is an entry in ClinVar:

ClinVar aggregate classification (germline): Likely benign (1 of 4 stars; one submission).

Allele frequency attached by ClinVar (database versions not stated): ESP Exome Variant Server 0.00204; 1000 Genomes Project 30x 0.00328; 1000 Genomes Project 0.00339.
gnomAD v4.1: 9,508 of 1,535,874 alleles (0.62%); highest among the groups gnomAD compares: Non-Finnish European, 0.68%; 49 homozygotes.

Submission:

CeGaT Center for Human Genetics Tuebingen
Classification: Likely benign. Last evaluated: 2023-01-01. Review status: criteria provided, single submitter. Criteria: CeGaT Center For Human Genetics Tuebingen Variant Classification Criteria Version 2. Collection method: clinical testing. Allele origin: germline. Affected: yes. Observed: 1 variant allele.
Comment: CAMSAP3: PP2, BS2

NM_020902.2(CAMSAP3):c.2061C>G (p.Asp687Glu)

Gene: CAMSAP3 (calmodulin regulated spectrin associated protein family member 3; plus strand). Cytogenetic location: 19p13.2.
Variant type: single nucleotide variant.
Coding change: c.2061C>G on transcript NM_020902.2 (MANE Select); coding-DNA position 2061, C replaced by G.
Protein change: p.Asp687Glu; replaces aspartic acid 687 with glutamic acid.
Molecular consequence: missense variant.
Genome position (GRCh38, 1-based): chr19:7,612,554, C>G. VCF-style: chr19-7612554-C-G. GRCh37 (hg19) VCF-style: chr19-7677440-C-G.
Other names: c.2142C>G, p.Asp714Glu (NM_001080429.3); short protein forms D687E, D714E.
Identifiers: ClinVar variation 2649168 (VCV002649168.24), dbSNP rs141087775, ClinGen allele CA9141367.
Genomic context (GRCh38, chr19:7,612,554, plus strand): 5'-CGCAGGCGAGGGCCAGGGTGAGCCAACCTCACGGCCCAAGGCAGTGACCTTCTCGCCAGA[C>G]CTGGGCCCGGTGCCCCACGAGGGGCTGGGGGAATACAATCGAGCGGTCAGCAAGCTGAGT-3'
Protein context (NP_065953.1, residues 677-697): SRPKAVTFSP[Asp687Glu]LGPVPHEGLG